The following is an entry in ClinVar:

ClinVar aggregate classification (germline): Likely benign. Review status: criteria provided, multiple submitters, no conflicts (2 of 4 stars). 2 submissions from 2 submitters: Likely benign (2). Last evaluated 2018-06-14.

Allele frequency attached by ClinVar (database versions not stated): TOPMed 0.00521; gnomAD 0.00549 and 0.00567.

Submissions (2):

GeneDx
Classification: Likely benign. Last evaluated: 2018-06-14. Review status: criteria provided, single submitter. Criteria: GeneDx Variant Classification (06012015). Collection method: clinical testing. Allele origin: germline. Affected: yes.
Comment: This variant is considered likely benign or benign based on one or more of the following criteria: it is a conservative change, it occurs at a poorly conserved position in the protein, it is predicted to be benign by multiple in silico algorithms, and/or has population frequency not consistent with disease.

Breakthrough Genomics
Classification: Likely benign. Review status: criteria provided, single submitter. Criteria: ACMG Guidelines, 2015. Collection method: not provided. Allele origin: germline. Inheritance: Autosomal dominant inheritance. Affected: yes.

NM_003480.4(MFAP5):c.247+157A>T

Gene: MFAP5 (microfibril associated protein 5; minus strand). Cytogenetic location: 12p13.31.
Variant type: single nucleotide variant.
Coding change: c.247+157A>T on transcript NM_003480.4 (MANE Select); 157 bases into the intron after coding-DNA position 247, A replaced by T.
Molecular consequence: intron variant.
Genome position (GRCh38, 1-based): chr12:8,651,505, T>A on the plus strand (A>T on the coding strand, the complement: MFAP5 is on the minus strand). VCF-style: chr12-8651505-T-A. GRCh37 (hg19) VCF-style: chr12-8804101-T-A.
Other names: c.182-916A>T (NM_001297710.2); c.173-916A>T (NM_001297711.2); c.217+2932A>T (NM_001297712.2); c.218-916A>T (NM_001297709.2).
Identifiers: ClinVar variation 679831 (VCV000679831.2), dbSNP rs185896370, ClinGen allele CA232306025.